The following is an entry in ClinVar:

NM_000234.3(LIG1):c.71C>T (p.Ala24Val)

Gene: LIG1 (DNA ligase 1; minus strand). Cytogenetic location: 19q13.33.
Variant type: single nucleotide variant.
Coding change: c.71C>T on transcript NM_000234.3 (MANE Select); coding-DNA position 71, C replaced by T.
Protein change: p.Ala24Val; replaces alanine 24 with valine.
Molecular consequence: missense variant. On other transcripts: non-coding transcript variant (2), intron variant (2).
Genome position (GRCh38, 1-based): chr19:48,162,298, G>A on the plus strand (C>T on the coding strand, the complement: LIG1 is on the minus strand). VCF-style: chr19-48162298-G-A. GRCh37 (hg19) VCF-style: chr19-48665555-G-A.
Other names: c.71C>T, p.Ala24Val (NM_001289064.2, NM_001320970.2); c.18-791C>T (NM_001289063.2, NM_001320971.2); short protein forms A24V.
Identifiers: ClinVar variation 788030 (VCV000788030.13), dbSNP rs3730855, ClinGen allele CA9547447.

ClinVar aggregate classification (germline): Benign. Review status: criteria provided, multiple submitters, no conflicts (2 of 4 stars). 3 submissions from 3 submitters: Benign (2). 1 of the submissions does not count toward it. Last evaluated 2026-01-14.

Conditions:
LIG1-related disorder. Also called: LIG1-related condition.

Allele frequency attached by ClinVar (database versions not stated): gnomAD exomes 0.00042 and 0.00128; ExAC 0.00172; gnomAD 0.00428 and 0.00447; TOPMed 0.00485; ESP Exome Variant Server 0.00538; 1000 Genomes Project 30x 0.00890; 1000 Genomes Project 0.00899.
gnomAD v4.1: 1,304 of 1,613,994 alleles (0.081%); highest among the groups gnomAD compares: African/African-American, 1.5%; 15 homozygotes.

Submissions (9):

Labcorp Genetics (formerly Invitae), Labcorp
Classification: Benign. Last evaluated: 2026-01-14. Review status: criteria provided, single submitter. Criteria: Invitae Variant Classification Sherloc (09022015). Collection method: clinical testing. Allele origin: germline.

Breakthrough Genomics
Classification: Benign. Review status: criteria provided, single submitter. Criteria: ACMG Guidelines, 2015. Collection method: not provided. Allele origin: germline. Inheritance: Autosomal recessive inheritance. Affected: yes.

PreventionGenetics, part of Exact Sciences
Classification: Benign for LIG1-related condition. Last evaluated: 2024-02-26. Review status: no assertion criteria provided. Collection method: clinical testing. Allele origin: germline. Not counted in ClinVar's aggregate classification.
Comment: This variant is classified as benign based on ACMG/AMP sequence variant interpretation guidelines (Richards et al. 2015 PMID: 25741868, with internal and published modifications).

Dr. Peter K. Rogan Lab, Western University
No classification provided (evidence only). Condition: Colon adenocarcinoma. Review status: no classification provided. Collection method: in vitro. Allele origin: not applicable. Functional consequence: skipped exon, retained intron. Not counted in ClinVar's aggregate classification.

Dr. Peter K. Rogan Lab, Western University
No classification provided (evidence only). Condition: Thyroid cancer, nonmedullary, 1. Review status: no classification provided. Collection method: in vitro. Allele origin: not applicable. Functional consequence: retained intron. Not counted in ClinVar's aggregate classification.

Dr. Peter K. Rogan Lab, Western University
No classification provided (evidence only). Condition: Thyroid cancer, nonmedullary, 1. Review status: no classification provided. Collection method: in vitro. Allele origin: not applicable. Functional consequence: skipped exon, retained intron. Not counted in ClinVar's aggregate classification.

Dr. Peter K. Rogan Lab, Western University
No classification provided (evidence only). Condition: Thyroid cancer, nonmedullary, 1. Review status: no classification provided. Collection method: in vitro. Allele origin: not applicable. Functional consequence: skipped exon. Not counted in ClinVar's aggregate classification.

Dr. Peter K. Rogan Lab, Western University
No classification provided (evidence only). Condition: Cervical cancer. Review status: no classification provided. Collection method: in vitro. Allele origin: not applicable. Functional consequence: retained intron. Not counted in ClinVar's aggregate classification.

Dr. Peter K. Rogan Lab, Western University
No classification provided (evidence only). Condition: Thymoma. Review status: no classification provided. Collection method: in vitro. Allele origin: not applicable. Functional consequence: retained intron. Not counted in ClinVar's aggregate classification.